The following is an entry in ClinVar:

ClinVar aggregate classification (germline): Uncertain significance (1 of 4 stars; one submission).

Conditions:
Genitopatellar syndrome (GTPTS). Also called: Genitopatellar syndrome (GPS); ABSENT PATELLAE, SCROTAL HYPOPLASIA, RENAL ANOMALIES, FACIAL DYSMORPHISM, AND MENTAL RETARDATION. Identifiers: Orphanet 85201, MedGen C1853566, MONDO:0011640, OMIM 606170.

Allele frequency attached by ClinVar (database versions not stated): gnomAD 0.00001; gnomAD exomes 0.00001; ExAC 0.00003; 1000 Genomes Project 30x 0.00016; 1000 Genomes Project 0.00020.
gnomAD v4.1: 17 of 1,614,166 alleles (0.0011%); highest among the groups gnomAD compares: Middle Eastern, 0.016%; no homozygotes.

Submission:

Labcorp Genetics (formerly Invitae), Labcorp
Classification: Uncertain significance for Genitopatellar syndrome. Last evaluated: 2025-08-03. Review status: criteria provided, single submitter. Criteria: Invitae Variant Classification Sherloc (09022015). Collection method: clinical testing. Allele origin: germline.
Comment: This sequence change replaces arginine, which is basic and polar, with histidine, which is basic and polar, at codon 1254 of the KAT6B protein (p.Arg1254His). This variant is present in population databases (rs568525923, gnomAD 0.006%). This variant has not been reported in the literature in individuals affected with KAT6B-related conditions. ClinVar contains an entry for this variant (Variation ID: 2170843). An algorithm developed to predict the effect of missense changes on protein structure and function outputs the following: PolyPhen-2: "Benign". The histidine amino acid residue is found in multiple mammalian species, which suggests that this missense change does not adversely affect protein function. In summary, the available evidence is currently insufficient to determine the role of this variant in disease. Therefore, it has been classified as a Variant of Uncertain Significance.

NM_012330.4(KAT6B):c.3761G>A (p.Arg1254His)

Gene: KAT6B (lysine acetyltransferase 6B; plus strand). Cytogenetic location: 10q22.2.
Variant type: single nucleotide variant.
Coding change: c.3761G>A on transcript NM_012330.4 (MANE Select); coding-DNA position 3761, G replaced by A.
Protein change: p.Arg1254His; replaces arginine 1254 with histidine.
Molecular consequence: missense variant.
Genome position (GRCh38, 1-based): chr10:75,028,585, G>A. VCF-style: chr10-75028585-G-A. GRCh37 (hg19) VCF-style: chr10-76788343-G-A.
Other names: c.3212G>A, p.Arg1071His (NM_001256468.2, NM_001370138.1); c.2885G>A, p.Arg962His (NM_001256469.2, NM_001370139.1, NM_001370140.1 and 2 more transcripts); c.2723G>A, p.Arg908His (NM_001370132.1); c.2072G>A, p.Arg691His (NM_001370133.1); c.1676G>A, p.Arg559His (NM_001370134.1); c.1418G>A, p.Arg473His (NM_001370135.1); c.3761G>A, p.Arg1254His (NM_001370136.1, NM_001370137.1); c.2696G>A, p.Arg899His (NM_001370143.1, NM_001370144.1); short protein forms R899H, R962H, R1071H, R473H, R559H, R908H, R1254H, R691H.
Identifiers: ClinVar variation 2170843 (VCV002170843.4), dbSNP rs568525923, ClinGen allele CA5564898.